The following is an entry in ClinVar:

NM_001033046.4(CYBC1):c.465G>A (p.Lys155=)

Gene: CYBC1 (cytochrome b-245 chaperone 1; minus strand). Cytogenetic location: 17q25.3.
Variant type: single nucleotide variant.
Coding change: c.465G>A on transcript NM_001033046.4 (MANE Select); coding-DNA position 465, G replaced by A.
Protein change: p.Lys155=; no amino-acid change (lysine 155 retained).
Molecular consequence: synonymous variant. On other transcripts: non-coding transcript variant (4).
Genome position (GRCh38, 1-based): chr17:82,444,103, C>T on the plus strand (G>A on the coding strand, the complement: CYBC1 is on the minus strand). VCF-style: chr17-82444103-C-T. GRCh37 (hg19) VCF-style: chr17-80401979-C-T.
Other names: c.465G>A, p.Lys155= (NM_001100407.3, NM_001193653.2, NM_001193654.2 and 2 more transcripts); c.423G>A, p.Lys141= (NM_001100408.3).
Identifiers: ClinVar variation 2891379 (VCV002891379.3), dbSNP rs2510045007, ClinGen allele CA401608165.
Genomic context (GRCh38, chr17:82,444,103, plus strand): 5'-GCTCTGAGACAGCTCTGTGGGGCTCTCAAGGCAGTGCAGCTCCAGGAAGCTGGTGATGAG[C>T]TTGGCGATGGCTTCCACATCACTGGGCGAGGCCGGCAACGGGAGGAAGGTCAGGTCACCT-3'
Protein context (NP_001028218.1, residues 145-165): GHRSDVEAIA[Lys155=]LITSFLELHC

ClinVar aggregate classification (germline): Uncertain significance (1 of 4 stars; one submission).

Submission:

Labcorp Genetics (formerly Invitae), Labcorp
Classification: Uncertain significance. Last evaluated: 2023-06-22. Review status: criteria provided, single submitter. Criteria: Invitae Variant Classification Sherloc (09022015). Collection method: clinical testing. Allele origin: germline.
Comment: This variant is not present in population databases (gnomAD no frequency). This sequence change affects codon 155 of the C17orf62 mRNA. It is a 'silent' change, meaning that it does not change the encoded amino acid sequence of the C17orf62 protein. This variant has not been reported in the literature in individuals affected with C17orf62-related conditions. In summary, the available evidence is currently insufficient to determine the role of this variant in disease. Therefore, it has been classified as a Variant of Uncertain Significance. Algorithms developed to predict the effect of sequence changes on RNA splicing suggest that this variant may create or strengthen a splice site.